The following is an entry in ClinVar:

NM_172240.3(POC1B):c.1057G>A (p.Asp353Asn)

Genes: POC1B (POC1 centriolar protein B; minus strand), POC1B-DUSP6 (POC1B-DUSP6 readthrough; minus strand). Cytogenetic location: 12q21.33.
Variant type: single nucleotide variant.
Coding change: c.1057G>A on transcript NM_172240.3 (MANE Select); coding-DNA position 1057, G replaced by A.
Protein change: p.Asp353Asn; replaces aspartic acid 353 with asparagine.
Molecular consequence: missense variant. On other transcripts: non-coding transcript variant (2).
Genome position (GRCh38, 1-based): chr12:89,459,694, C>T on the plus strand (G>A on the coding strand, the complement: POC1B is on the minus strand). VCF-style: chr12-89459694-C-T. GRCh37 (hg19) VCF-style: chr12-89853471-C-T.
Other names: c.931G>A, p.Asp311Asn (NM_001199777.2); short protein forms D311N, D353N.
Identifiers: ClinVar variation 1403111 (VCV001403111.6), dbSNP rs768381792, ClinGen allele CA6714298.

ClinVar aggregate classification (germline): Uncertain significance. Review status: criteria provided, multiple submitters, no conflicts (2 of 4 stars). 2 submissions from 2 submitters: Uncertain significance (2). Last evaluated 2024-01-22.

Conditions:
Cone-rod dystrophy 20 (CORD20). Identifiers: Orphanet 1872, MedGen C4014856, MONDO:0014427, OMIM 615973.

Allele frequency attached by ClinVar (database versions not stated): gnomAD exomes below 0.00001; ExAC 0.00001; gnomAD 0.00001.
gnomAD v4.1: 24 of 1,536,820 alleles (0.0016%); highest among the groups gnomAD compares: Admixed American, 0.0058%; no homozygotes.

Submissions (2):

Fulgent Genetics
Classification: Uncertain significance for Cone-rod dystrophy 20. Last evaluated: 2024-01-22. Review status: criteria provided, single submitter. Criteria: ACMG Guidelines, 2015. Collection method: clinical testing. Allele origin: germline.

Labcorp Genetics (formerly Invitae), Labcorp
Classification: Uncertain significance. Last evaluated: 2022-07-26. Review status: criteria provided, single submitter. Criteria: Invitae Variant Classification Sherloc (09022015). Collection method: clinical testing. Allele origin: germline.
Comment: This sequence change replaces aspartic acid, which is acidic and polar, with asparagine, which is neutral and polar, at codon 353 of the POC1B protein (p.Asp353Asn). This variant is present in population databases (rs768381792, gnomAD 0.008%). This variant has not been reported in the literature in individuals affected with POC1B-related conditions. ClinVar contains an entry for this variant (Variation ID: 1403111). Algorithms developed to predict the effect of missense changes on protein structure and function (SIFT, PolyPhen-2, Align-GVGD) all suggest that this variant is likely to be tolerated. Algorithms developed to predict the effect of sequence changes on RNA splicing suggest that this variant may disrupt the consensus splice site. In summary, the available evidence is currently insufficient to determine the role of this variant in disease. Therefore, it has been classified as a Variant of Uncertain Significance.